The following is an entry in ClinVar:

ClinVar aggregate classification (germline): Likely pathogenic (1 of 4 stars; one submission).

Conditions:
Hereditary spastic paraplegia 63. Also called: Spastic paraplegia 63, autosomal recessive. Identifiers: Orphanet 401805, MedGen C3810295, MONDO:0014305, OMIM 615686.
Pontocerebellar hypoplasia type 9. Identifiers: Orphanet 369920, MedGen C4014354, MONDO:0014351, OMIM 615809.

gnomAD v4.1: 4 of 1,613,914 alleles (0.00025%); highest among the groups gnomAD compares: African/African-American, 0.0013%; no homozygotes.

Submission:

Labcorp Genetics (formerly Invitae), Labcorp
Classification: Likely pathogenic for Pontocerebellar hypoplasia type 9; Hereditary spastic paraplegia 63. Last evaluated: 2025-07-02. Review status: criteria provided, single submitter. Criteria: Invitae Variant Classification Sherloc (09022015). Collection method: clinical testing. Allele origin: germline.
Comment: This sequence change affects an acceptor splice site in intron 8 of the AMPD2 gene. It is expected to disrupt RNA splicing. Variants that disrupt the donor or acceptor splice site typically lead to a loss of protein function (PMID: 16199547), and loss-of-function variants in AMPD2 are known to be pathogenic (PMID: 23911318). This variant is present in population databases (rs372568349, gnomAD 0.0009%). This variant has not been reported in the literature in individuals affected with AMPD2-related conditions. ClinVar contains an entry for this variant (Variation ID: 3751257). Algorithms developed to predict the effect of sequence changes on RNA splicing suggest that this variant may disrupt the consensus splice site. In summary, the currently available evidence indicates that the variant is pathogenic, but additional data are needed to prove that conclusively. Therefore, this variant has been classified as Likely Pathogenic.

Literature cited by the submitters: PubMed 16199547; PubMed 23911318.

NM_001368809.2(AMPD2):c.861-2A>G

Gene: AMPD2 (adenosine monophosphate deaminase 2; plus strand). Cytogenetic location: 1p13.3.
Variant type: single nucleotide variant.
Coding change: c.861-2A>G on transcript NM_001368809.2 (MANE Select); the canonical splice acceptor site of the intron before coding-DNA position 861, A replaced by G.
Molecular consequence: splice acceptor variant.
Genome position (GRCh38, 1-based): chr1:109,627,427, A>G. VCF-style: chr1-109627427-A-G. GRCh37 (hg19) VCF-style: chr1-110170049-A-G.
Other names: c.780-2A>G (NM_139156.4); c.798-2A>G (NM_001308170.1); c.861-2A>G (NM_004037.9); c.669-2A>G (NM_001257361.2).
Identifiers: ClinVar variation 3751257 (VCV003751257.2).